The following is an entry in ClinVar:

ClinVar aggregate classification (germline): Likely benign (1 of 4 stars; one submission).

Allele frequency attached by ClinVar (database versions not stated): gnomAD exomes below 0.00001; TOPMed 0.00001 and below 0.00001; gnomAD 0.00001.
gnomAD v4.1: 5 of 1,613,036 alleles (0.00031%); highest among the groups gnomAD compares: Middle Eastern, 0.033%; no homozygotes.

Submission:

GeneDx
Classification: Likely benign. Last evaluated: 2017-04-05. Review status: criteria provided, single submitter. Criteria: GeneDx Variant Classification (06012015). Collection method: clinical testing. Allele origin: germline. Affected: yes.
Comment: This variant is considered likely benign or benign based on one or more of the following criteria: it is a conservative change, it occurs at a poorly conserved position in the protein, it is predicted to be benign by multiple in silico algorithms, and/or has population frequency not consistent with disease.

NM_004990.4(MARS1):c.1539+12T>G

Gene: MARS1 (methionyl-tRNA synthetase 1; plus strand). Cytogenetic location: 12q13.3.
Variant type: single nucleotide variant.
Coding change: c.1539+12T>G on transcript NM_004990.4 (MANE Select); 12 bases into the intron after coding-DNA position 1539, T replaced by G.
Molecular consequence: intron variant.
Genome position (GRCh38, 1-based): chr12:57,511,880, T>G. VCF-style: chr12-57511880-T-G. GRCh37 (hg19) VCF-style: chr12-57905663-T-G.
Identifiers: ClinVar variation 508379 (VCV000508379.1), dbSNP rs1333118087, ClinGen allele CA605705330.